The following is an entry in ClinVar:

NM_001130987.2(DYSF):c.4997_4998del (p.Phe1666fs)

Gene: DYSF (dysferlin; plus strand). Cytogenetic location: 2p13.2.
Variant type: Deletion.
Coding change: c.4997_4998del on transcript NM_001130987.2 (MANE Select); coding-DNA positions 4997 to 4998, 2 bases deleted (TT; older notation c.4997_4998delTT).
Protein change: p.Phe1666fs; shifts the reading frame from phenylalanine 1666.
Molecular consequence: frameshift variant.
Genome position (GRCh38, 1-based): chr2:71,660,645-71,660,646, TT deleted; deleting any 2 consecutive bases within chr2:71,660,644-71,660,646 gives the same sequence; the c. name uses the placement nearest the transcript's 3' end. VCF-style (leftmost placement, unchanged base first): chr2-71660643-ATT-A. GRCh37 (hg19) VCF-style: chr2-71887773-ATT-A.
Other names: c.4883_4884del, p.Phe1628fs (NM_001130455.2); c.4838_4839del, p.Phe1613fs (NM_001130976.2); c.4901_4902del, p.Phe1634fs (NM_001130977.2); c.4943_4944del, p.Phe1648fs (NM_001130978.2); c.4973_4974del, p.Phe1658fs (NM_001130979.2); c.4931_4932del, p.Phe1644fs (NM_001130980.2); c.4994_4995del, p.Phe1665fs (NM_001130981.2); c.4976_4977del, p.Phe1659fs (NM_001130982.2); and 5 more; short protein forms F1628fs, F1634fs, F1635fs, F1644fs, F1645fs, F1648fs, F1649fs, F1658fs.
Identifiers: ClinVar variation 4815150 (VCV004815150.1).

ClinVar aggregate classification (germline): Likely pathogenic (1 of 4 stars; one submission).

Conditions:
Autosomal recessive limb-girdle muscular dystrophy type 2B (LGMDR2). Also called: MUSCULAR DYSTROPHY, LIMB-GIRDLE, TYPE 3; MUSCULAR DYSTROPHY, LIMB-GIRDLE, AUTOSOMAL RECESSIVE 2; Limb-Girdle Muscular Dystrophy Type 2B (LGMD2B); Limb-girdle muscular dystrophy, type 2B. Identifiers: Orphanet 268, MedGen C1850889, MONDO:0009676, OMIM 253601.

Submission:

Natera, Inc.
Classification: Likely pathogenic for Limb-girdle muscular dystrophy type 2B. Last evaluated: 2025-09-01. Review status: criteria provided, single submitter. Criteria: Natera Variant Classification Schema (03/2026). Collection method: clinical testing. Allele origin: germline.
Comment: The c.4880_4881del variant in DYSF is a frameshift variant predicted to shift the reading frame beginning at codon 1627 and leads to a stop codon 22 codons downstream. This variant is expected to result in nonsense mediated decay, truncation, or a dysfunctional protein product. This variant is rare in the general population with a frequency below the threshold expected for the associated phenotype(s). Given the available evidence, this variant is classified as Likely Pathogenic.